The following is an entry in ClinVar:

ClinVar aggregate classification (germline): Uncertain significance. Review status: criteria provided, multiple submitters, no conflicts (2 of 4 stars). 2 submissions from 2 submitters: Uncertain significance (2). Last evaluated 2025-12-24.

Allele frequency attached by ClinVar (database versions not stated): gnomAD exomes 0.00001 and 0.00004; ExAC 0.00002; gnomAD 0.00002; TOPMed 0.00005; ESP Exome Variant Server 0.00008.
gnomAD v4.1: 21 of 1,612,204 alleles (0.0013%); highest among the groups gnomAD compares: African/African-American, 0.0067%; no homozygotes.

Submissions (2):

Labcorp Genetics (formerly Invitae), Labcorp
Classification: Uncertain significance. Last evaluated: 2025-12-24. Review status: criteria provided, single submitter. Criteria: Invitae Variant Classification Sherloc (09022015). Collection method: clinical testing. Allele origin: germline.
Comment: This sequence change replaces isoleucine, which is neutral and non-polar, with threonine, which is neutral and polar, at codon 240 of the VAV1 protein (p.Ile240Thr). This variant is present in population databases (rs368374146, gnomAD 0.007%). This variant has not been reported in the literature in individuals affected with VAV1-related conditions. ClinVar contains an entry for this variant (Variation ID: 1359214). An algorithm developed to predict the effect of missense changes on protein structure and function (PolyPhen-2) suggests that this variant is likely to be disruptive. In summary, the available evidence is currently insufficient to determine the role of this variant in disease. Therefore, it has been classified as a Variant of Uncertain Significance.

Ambry Genetics
Classification: Uncertain significance. Last evaluated: 2025-04-02. Review status: criteria provided, single submitter. Criteria: Ambry Variant Classification Scheme 2023. Collection method: clinical testing. Allele origin: germline.

NM_005428.4(VAV1):c.719T>C (p.Ile240Thr)

Gene: VAV1 (vav guanine nucleotide exchange factor 1; plus strand). Cytogenetic location: 19p13.3.
Variant type: single nucleotide variant.
Coding change: c.719T>C on transcript NM_005428.4 (MANE Select); coding-DNA position 719, T replaced by C.
Protein change: p.Ile240Thr; replaces isoleucine 240 with threonine.
Molecular consequence: missense variant.
Genome position (GRCh38, 1-based): chr19:6,825,117, T>C. VCF-style: chr19-6825117-T-C. GRCh37 (hg19) VCF-style: chr19-6825128-T-C.
Other names: c.719T>C (NM_005428.2); c.719T>C, p.Ile240Thr (NM_001258206.2); c.623T>C, p.Ile208Thr (NM_001258207.2); short protein forms I208T, I240T.
Identifiers: ClinVar variation 1359214 (VCV001359214.9), dbSNP rs368374146, ClinGen allele CA9132310.
Genomic context (GRCh38, chr19:6,825,117, plus strand): 5'-TCTTGAAGCCCCTGCAACGGTTCCTGAAACCTCAAGACATTGAGATCATCTTTATCAACA[T>C]TGAGGTGAGCCGGCCGATCCCCAGCCCTCTTGGGTCTGTCTAGTGCGGATAACCTGCTGC-3'
Protein context (NP_005419.2, residues 230-250): PQDIEIIFIN[Ile240Thr]EDLLRVHTHF